The following is an entry in ClinVar:

ClinVar aggregate classification (germline): Uncertain significance (1 of 4 stars; one submission).

Submission:

Labcorp Genetics (formerly Invitae), Labcorp
Classification: Uncertain significance. Last evaluated: 2022-06-11. Review status: criteria provided, single submitter. Criteria: Invitae Variant Classification Sherloc (09022015). Collection method: clinical testing. Allele origin: germline.
Comment: This sequence change replaces valine, which is neutral and non-polar, with alanine, which is neutral and non-polar, at codon 4 of the GUCA1A protein (p.Val4Ala). This variant is not present in population databases (gnomAD no frequency). This variant has not been reported in the literature in individuals affected with GUCA1A-related conditions. Algorithms developed to predict the effect of missense changes on protein structure and function are either unavailable or do not agree on the potential impact of this missense change (SIFT: "Not Available"; PolyPhen-2: "Benign"; Align-GVGD: "Not Available"). In summary, the available evidence is currently insufficient to determine the role of this variant in disease. Therefore, it has been classified as a Variant of Uncertain Significance.

NM_001384910.1(GUCA1A):c.11T>C (p.Val4Ala)

Genes: GUCA1A (guanylate cyclase activator 1A; plus strand), GUCA1ANB-GUCA1A (GUCA1ANB-GUCA1A readthrough; plus strand). Cytogenetic location: 6p21.1.
Variant type: single nucleotide variant.
Coding change: c.11T>C on transcript NM_001384910.1 (MANE Select); coding-DNA position 11, T replaced by C.
Protein change: p.Val4Ala; replaces valine 4 with alanine.
Molecular consequence: missense variant.
Genome position (GRCh38, 1-based): chr6:42,173,624, T>C. VCF-style: chr6-42173624-T-C. GRCh37 (hg19) VCF-style: chr6-42141362-T-C.
Other names: c.11T>C, p.Val4Ala (NM_000409.5, NM_001319061.2, NM_001319062.2); short protein forms V4A.
Identifiers: ClinVar variation 2004710 (VCV002004710.4), dbSNP rs2546713925, ClinGen allele CA364104954.
Genomic context (GRCh38, chr6:42,173,624, plus strand): 5'-GCGAACAGGGCCTGTCCATCTCAGACGTCAGCCCCCTGAAGGCCTGAGCAATGGGCAACG[T>C]GATGGAGGGAAAGTCAGTGGAGGAGCTGAGCAGCACCGAGTGCCACCAGTGGTACAAGAA-3'
Protein context (NP_001371839.1, residues 1-14): MGN[Val4Ala]MEGKSVEELS